The following is an entry in ClinVar:

NM_003091.4(SNRPB):c.5C>T (p.Thr2Met)

Gene: SNRPB (small nuclear ribonucleoprotein polypeptides B and B1; minus strand). Cytogenetic location: 20p13.
Variant type: single nucleotide variant.
Coding change: c.5C>T on transcript NM_003091.4 (MANE Select); coding-DNA position 5, C replaced by T.
Protein change: p.Thr2Met; replaces threonine 2 with methionine.
Molecular consequence: missense variant.
Genome position (GRCh38, 1-based): chr20:2,467,757, G>A on the plus strand (C>T on the coding strand, the complement: SNRPB is on the minus strand). VCF-style: chr20-2467757-G-A. GRCh37 (hg19) VCF-style: chr20-2448403-G-A.
Other names: c.5C>T, p.Thr2Met (NM_198216.2); short protein forms T2M.
Identifiers: ClinVar variation 1450576 (VCV001450576.8), dbSNP rs1270487316, ClinGen allele CA408015953.

ClinVar aggregate classification (germline): Uncertain significance (1 of 4 stars; one submission).

Allele frequency attached by ClinVar (database versions not stated): gnomAD exomes below 0.00001 and 0.00001.

Submission:

Labcorp Genetics (formerly Invitae), Labcorp
Classification: Uncertain significance. Last evaluated: 2023-10-29. Review status: criteria provided, single submitter. Criteria: Invitae Variant Classification Sherloc (09022015). Collection method: clinical testing. Allele origin: germline.
Comment: This sequence change replaces threonine, which is neutral and polar, with methionine, which is neutral and non-polar, at codon 2 of the SNRPB protein (p.Thr2Met). This variant is present in population databases (no rsID available, gnomAD 0.0009%). This variant has not been reported in the literature in individuals affected with SNRPB-related conditions. ClinVar contains an entry for this variant (Variation ID: 1450576). An algorithm developed to predict the effect of missense changes on protein structure and function (PolyPhen-2) suggests that this variant is likely to be tolerated. In summary, the available evidence is currently insufficient to determine the role of this variant in disease. Therefore, it has been classified as a Variant of Uncertain Significance.